The following is an entry in ClinVar:

NM_001242957.3(MAK):c.1294dup (p.Arg432fs)

Gene: MAK (male germ cell associated kinase; minus strand). Cytogenetic location: 6p24.2.
Variant type: Duplication.
Coding change: c.1294dup on transcript NM_001242957.3 (MANE Select); coding-DNA position 1294, one base duplicated (A; older notation c.1294dupA).
Protein change: p.Arg432fs; shifts the reading frame from arginine 432.
Molecular consequence: frameshift variant. On other transcripts: non-coding transcript variant (2).
Genome position (GRCh38, 1-based): chr6:10,791,697, T duplicated on the plus strand (A on the coding strand, the reverse complement: MAK is on the minus strand); the first of 6 consecutive T bases (chr6:10,791,697-10,791,702); duplicating any one gives the same sequence. VCF-style (leftmost placement, unchanged base first): chr6-10791696-C-CT. GRCh37 (hg19) VCF-style: chr6-10791929-C-CT.
Other names: c.1294dup, p.Arg432fs (NM_001242385.2, NM_005906.6); c.1192dup, p.Arg398fs (NM_001377262.1); short protein forms R398fs, R432fs.
Identifiers: ClinVar variation 2957025 (VCV002957025.5), dbSNP rs1298546985, ClinGen allele CA565827471.

ClinVar aggregate classification (germline): Pathogenic/Likely pathogenic. Review status: criteria provided, multiple submitters, no conflicts (2 of 4 stars). 2 submissions from 2 submitters: Pathogenic (1); Likely pathogenic (1). Last evaluated 2026-01-29.

Conditions:
Retinitis pigmentosa 62 (RP62). Identifiers: Orphanet 791, MedGen C3280042, MONDO:0013611, OMIM 614181.

Submissions (2):

Labcorp Genetics (formerly Invitae), Labcorp
Classification: Pathogenic. Last evaluated: 2026-01-29. Review status: criteria provided, single submitter. Criteria: Invitae Variant Classification Sherloc (09022015). Collection method: clinical testing. Allele origin: germline.
Comment: This sequence change creates a premature translational stop signal (p.Arg432Lysfs*36) in the MAK gene. It is expected to result in an absent or disrupted protein product. Loss-of-function variants in MAK are known to be pathogenic (PMID: 21148103, 21825139, 24938718, 29781741). The frequency data for this variant in the population databases is considered unreliable, as metrics indicate poor data quality at this position in the gnomAD database. This variant has not been reported in the literature in individuals affected with MAK-related conditions. ClinVar contains an entry for this variant (Variation ID: 2957025). For these reasons, this variant has been classified as Pathogenic.

Fulgent Genetics
Classification: Likely pathogenic for Retinitis pigmentosa 62. Last evaluated: 2024-01-18. Review status: criteria provided, single submitter. Criteria: ACMG Guidelines, 2015. Collection method: clinical testing. Allele origin: germline.

Literature cited by the submitters: PubMed 21148103 (cited by Labcorp Genetics (formerly Invitae), Labcorp); PubMed 21825139 (cited by Labcorp Genetics (formerly Invitae), Labcorp); PubMed 24938718 (cited by Labcorp Genetics (formerly Invitae), Labcorp); PubMed 29781741 (cited by Labcorp Genetics (formerly Invitae), Labcorp).